The following is an entry in ClinVar:

ClinVar aggregate classification (germline): Uncertain significance (1 of 4 stars; one submission).

Submission:

GeneDx
Classification: Uncertain significance. Last evaluated: 2023-05-01. Review status: criteria provided, single submitter. Criteria: GeneDx Variant Classification Process June 2021. Collection method: clinical testing. Allele origin: germline. Affected: yes.
Comment: Not observed at significant frequency in large population cohorts (gnomAD); In silico analysis supports that this missense variant has a deleterious effect on protein structure/function; Has not been previously published as pathogenic or benign to our knowledge

NM_001145358.2(SIN3A):c.3187T>C (p.Cys1063Arg)

Gene: SIN3A (SIN3 transcription regulator family member A; minus strand). Cytogenetic location: 15q24.2.
Variant type: single nucleotide variant.
Coding change: c.3187T>C on transcript NM_001145358.2 (MANE Select); coding-DNA position 3187, T replaced by C.
Protein change: p.Cys1063Arg; replaces cysteine 1063 with arginine.
Molecular consequence: missense variant.
Genome position (GRCh38, 1-based): chr15:75,384,272, A>G on the plus strand (T>C on the coding strand, the complement: SIN3A is on the minus strand). VCF-style: chr15-75384272-A-G. GRCh37 (hg19) VCF-style: chr15-75676613-A-G.
Other names: c.3187T>C, p.Cys1063Arg (NM_001145357.2, NM_015477.3); short protein forms C1063R.
Identifiers: ClinVar variation 1704024 (VCV001704024.3), dbSNP rs2543034208, ClinGen allele CA393487423.